The following is an entry in ClinVar:

NM_005026.5(PIK3CD):c.1643G>A (p.Arg548Gln)

Gene: PIK3CD (phosphatidylinositol-4,5-bisphosphate 3-kinase catalytic subunit delta; plus strand). Cytogenetic location: 1p36.22.
Variant type: single nucleotide variant.
Coding change: c.1643G>A on transcript NM_005026.5 (MANE Select); coding-DNA position 1643, G replaced by A.
Protein change: p.Arg548Gln; replaces arginine 548 with glutamine.
Molecular consequence: missense variant.
Genome position (GRCh38, 1-based): chr1:9,720,863, G>A. VCF-style: chr1-9720863-G-A. GRCh37 (hg19) VCF-style: chr1-9780921-G-A.
Other names: NM_005026.5(PIK3CD):c.1643G>A; p.Arg548Gln; c.1643G>A (NM_005026.3); c.1640G>A, p.Arg547Gln (NM_001350234.2); c.1556G>A, p.Arg519Gln (NM_001350235.1); short protein forms R519Q, R548Q, R547Q.
Identifiers: ClinVar variation 1510460 (VCV001510460.7), dbSNP rs1297091785, ClinGen allele CA338303967.

ClinVar aggregate classification (germline): Uncertain significance. Review status: reviewed by expert panel (3 of 4 stars). 3 submissions from 3 submitters: Uncertain significance (1). 2 of the submissions do not count toward it. Last evaluated 2025-12-19.

Conditions:
Immunodeficiency 14 (IMD14A). Also called: ACTIVATED PI3K-DELTA SYNDROME 1; Activated PI3K Delta Syndrome Type 1 (APDS1); p110-DELTA-ACTIVATING MUTATION CAUSING SENESCENT T CELLS, LYMPHADENOPATHY, AND IMMUNODEFICIENCY; IMMUNODEFICIENCY 14A WITH LYMPHOPROLIFERATION, AUTOSOMAL DOMINANT. Identifiers: Orphanet 397596, Orphanet 693661, MedGen C5907821, MONDO:0014222, OMIM 615513.
Inborn genetic diseases. Identifiers: MedGen C0950123, MeSH D030342.

Allele frequency attached by ClinVar (database versions not stated): gnomAD exomes 0.00001.
gnomAD v4.1: 8 of 1,608,074 alleles (0.0005%); highest among the groups gnomAD compares: Non-Finnish European, 0.00068%; no homozygotes.

Submissions (3):

ClinGen Primary Immune Regulatory Disorders Variant Curation Expert Panel, ClinGen
Classification: Uncertain significance for Immunodeficiency 14. Last evaluated: 2025-12-19. Review status: reviewed by expert panel. Criteria: ClinGen AbDef ACMG Specifications PIK3CD V1.0.0. Collection method: curation. Allele origin: germline. Inheritance: Autosomal dominant inheritance.
Comment: NM_005026.5(PIK3CD):c.1643G>A (p.Arg548Gln) is a missense variant causing substitution of arginine by glutamine at amino acid 548. Another missense variant in the same codon, NM_005026.5(PIK3CD):c.1642C>T (p.Arg548Trp), has been reported in association with immunodeficiency 14 (SCV002524004.1) but has been classified as a VUS by the ClinGen Antibody Deficiencies VCEP, so PM5 is not met. This variant is present in gnomAD v4.1.0 at a total combined allele frequency of 0.000004975, with 8 alleles / 1,610,074 total alleles across all populations of gnomAD, which is higher than the ClinGen Antibody Deficiencies VCEP PM2_Supporting threshold of <0.00000132. The variant is present in gnomAD v4.1.0 at a GrpMax allele frequency of .000002920, with 8 alleles / 1,177,486 total alleles in the European (Non-Finnish) population, which is lower than the BS1 threshold of >0.000316, so no population code can be applied. This variant has not been reported in the literature in individuals affected with PIK3CD-related conditions. The computational predictor REVEL gives a score of 0.236, which is below the ClinGen Antibody Deficiencies VCEP threshold of >0.644 and does not predict a damaging effect on PIK3CD function. The computational predictor CADD gives a PHRED score of 28.8, which is above the ClinGen Antibody Deficiencies VCEP threshold of >25.3 and predicts a deleterious effect on PIK3CD function. Because the two predictors do not agree on a damaging effect, PP3 is not met. In summary, this variant meets the criteria to be classified as a variant of uncertain significance for autosomal dominant immunodeficiency 14 based on the ACMG/AMP criteria applied, as specified by the ClinGen Antibody Deficiencies VCEP: None. (VCEP specifications version 1.0.0).

Ambry Genetics
Classification: Uncertain significance for Inborn genetic diseases. Last evaluated: 2024-12-12. Review status: criteria provided, single submitter. Criteria: Ambry Variant Classification Scheme 2023. Collection method: clinical testing. Allele origin: germline. Not counted in ClinVar's aggregate classification.

Labcorp Genetics (formerly Invitae), Labcorp
Classification: Uncertain significance for Activated PI3K-delta syndrome. Last evaluated: 2023-11-27. Review status: criteria provided, single submitter. Criteria: Invitae Variant Classification Sherloc (09022015). Collection method: clinical testing. Allele origin: germline. Not counted in ClinVar's aggregate classification.
Comment: This sequence change replaces arginine, which is basic and polar, with glutamine, which is neutral and polar, at codon 548 of the PIK3CD protein (p.Arg548Gln). This variant is not present in population databases (gnomAD no frequency). This variant has not been reported in the literature in individuals affected with PIK3CD-related conditions. ClinVar contains an entry for this variant (Variation ID: 1510460). Advanced modeling of protein sequence and biophysical properties (such as structural, functional, and spatial information, amino acid conservation, physicochemical variation, residue mobility, and thermodynamic stability) has been performed at Invitae for this missense variant, however the output from this modeling did not meet the statistical confidence thresholds required to predict the impact of this variant on PIK3CD protein function. In summary, the available evidence is currently insufficient to determine the role of this variant in disease. Therefore, it has been classified as a Variant of Uncertain Significance.